The following is an entry in ClinVar:

NM_000170.3(GLDC):c.2806G>A (p.Gly936Ser)

Gene: GLDC (glycine decarboxylase; minus strand). Cytogenetic location: 9p24.1.
Variant type: single nucleotide variant.
Coding change: c.2806G>A on transcript NM_000170.3 (MANE Select); coding-DNA position 2806, G replaced by A.
Protein change: p.Gly936Ser; replaces glycine 936 with serine.
Molecular consequence: missense variant.
Genome position (GRCh38, 1-based): chr9:6,536,096, C>T on the plus strand (G>A on the coding strand, the complement: GLDC is on the minus strand). VCF-style: chr9-6536096-C-T. GRCh37 (hg19) VCF-style: chr9-6536096-C-T.
Other names: short protein forms G936S.
Identifiers: ClinVar variation 2162833 (VCV002162833.4), dbSNP rs190995960, ClinGen allele CA188644371.

ClinVar aggregate classification (germline): Uncertain significance (1 of 4 stars; one submission).

Conditions:
Glycine encephalopathy. Also called: Non-ketotic hyperglycinemia; Nonketotic hyperglycinemia. Identifiers: Orphanet 407, MedGen C0751748, MONDO:0011612, HP:0008288.

Allele frequency attached by ClinVar (database versions not stated): TOPMed below 0.00001; gnomAD 0.00001; 1000 Genomes Project 0.00020; 1000 Genomes Project 30x 0.00047.
gnomAD v4.1: 1 of 1,614,046 alleles (0.000062%); highest among the groups gnomAD compares: East Asian, 0.0022%; no homozygotes.

Submission:

Labcorp Genetics (formerly Invitae), Labcorp
Classification: Uncertain significance for Glycine encephalopathy. Last evaluated: 2022-11-15. Review status: criteria provided, single submitter. Criteria: Invitae Variant Classification Sherloc (09022015). Collection method: clinical testing. Allele origin: germline.
Comment: This sequence change replaces glycine, which is neutral and non-polar, with serine, which is neutral and polar, at codon 936 of the GLDC protein (p.Gly936Ser). In summary, the available evidence is currently insufficient to determine the role of this variant in disease. Therefore, it has been classified as a Variant of Uncertain Significance. Advanced modeling of protein sequence and biophysical properties (such as structural, functional, and spatial information, amino acid conservation, physicochemical variation, residue mobility, and thermodynamic stability) has been performed at Invitae for this missense variant, however the output from this modeling did not meet the statistical confidence thresholds required to predict the impact of this variant on GLDC protein function. This variant has not been reported in the literature in individuals affected with GLDC-related conditions. This variant is not present in population databases (gnomAD no frequency).